The following is an entry in ClinVar:

NM_001918.5(DBT):c.511del (p.Thr171fs)

Gene: DBT (dihydrolipoamide branched chain transacylase E2; minus strand). Cytogenetic location: 1p21.2.
Variant type: Deletion.
Coding change: c.511del on transcript NM_001918.5 (MANE Select); coding-DNA position 511, one base deleted (A; older notation c.511delA).
Protein change: p.Thr171fs; shifts the reading frame from threonine 171.
Molecular consequence: frameshift variant. On other transcripts: 5 prime UTR variant (2), non-coding transcript variant (4).
Genome position (GRCh38, 1-based): chr1:100,218,670, T deleted on the plus strand (A on the coding strand, the reverse complement: DBT is on the minus strand); the first of 5 consecutive T bases (chr1:100,218,670-100,218,674); deleting any one gives the same sequence. VCF-style (leftmost placement, unchanged base first): chr1-100218669-GT-G. GRCh37 (hg19) VCF-style: chr1-100684225-GT-G.
Other names: c.-33del (NM_001399969.1, NM_001399972.1); short protein forms T171fs.
Identifiers: ClinVar variation 1724706 (VCV001724706.2), dbSNP rs2524164698, ClinGen allele CA2580060673.

ClinVar aggregate classification (germline): Likely pathogenic (1 of 4 stars; one submission).

Conditions:
Maple syrup urine disease (MSUD). Identifiers: Orphanet 511, MedGen C0024776, MeSH D008375, MONDO:0009563. Disease mechanism: loss of function.

Submission:

Myriad Genetics, Inc.
Classification: Likely pathogenic for Maple syrup urine disease type 1A. Last evaluated: 2022-02-25. Review status: criteria provided, single submitter. Criteria: Myriad Women's Health Autosomal Recessive and X-Linked Classification Criteria (2021). Collection method: clinical testing. Allele origin: unknown.
Comment: NM_001918.3(DBT):c.511delA(T171Hfs*18) is expected to be pathogenic in the context of maple syrup urine disease type II. This variant is predicted to lead to an abnormal or absent protein product due to the creation of a premature termination codon in DBT, a gene where loss-of-function variants are known to be pathogenic. Please note: this variant was assessed in the context of healthy population screening.